The following is an entry in ClinVar:

NM_001371986.1(UNC80):c.6178+1G>T

Gene: UNC80 (unc-80 subunit of NALCN channel complex; plus strand). Cytogenetic location: 2q34.
Variant type: single nucleotide variant.
Coding change: c.6178+1G>T on transcript NM_001371986.1 (MANE Select); the canonical splice donor site of the intron after coding-DNA position 6178, G replaced by T.
Molecular consequence: splice donor variant.
Genome position (GRCh38, 1-based): chr2:209,934,006, G>T. VCF-style: chr2-209934006-G-T. GRCh37 (hg19) VCF-style: chr2-210798730-G-T.
Other names: c.5980+1G>T (NM_032504.2); c.5965+1G>T (NM_182587.4).
Identifiers: ClinVar variation 3689153 (VCV003689153.2).

ClinVar aggregate classification (germline): Likely pathogenic (1 of 4 stars; one submission).

Submission:

Labcorp Genetics (formerly Invitae), Labcorp
Classification: Likely pathogenic. Last evaluated: 2024-02-22. Review status: criteria provided, single submitter. Criteria: Invitae Variant Classification Sherloc (09022015). Collection method: clinical testing. Allele origin: germline.
Comment: This sequence change affects a donor splice site in intron 38 of the UNC80 gene. It is expected to disrupt RNA splicing. Variants that disrupt the donor or acceptor splice site typically lead to a loss of protein function (PMID: 16199547), and loss-of-function variants in UNC80 are known to be pathogenic (PMID: 26545877, 26708751, 26708753). This variant is not present in population databases (gnomAD no frequency). This variant has not been reported in the literature in individuals affected with UNC80-related conditions. Algorithms developed to predict the effect of sequence changes on RNA splicing suggest that this variant may disrupt the consensus splice site. In summary, the currently available evidence indicates that the variant is pathogenic, but additional data are needed to prove that conclusively. Therefore, this variant has been classified as Likely Pathogenic.

Literature cited by the submitters: PubMed 16199547; PubMed 26545877; PubMed 26708751; PubMed 26708753.